The following is an entry in ClinVar:

NM_032043.3(BRIP1):c.772C>G (p.Gln258Glu)

Gene: BRIP1 (BRCA1 interacting helicase 1; minus strand). Cytogenetic location: 17q23.2.
Variant type: single nucleotide variant.
Coding change: c.772C>G on transcript NM_032043.3 (MANE Select); coding-DNA position 772, C replaced by G.
Protein change: p.Gln258Glu; replaces glutamine 258 with glutamic acid.
Molecular consequence: missense variant.
Genome position (GRCh38, 1-based): chr17:61,808,613, G>C on the plus strand (C>G on the coding strand, the complement: BRIP1 is on the minus strand). VCF-style: chr17-61808613-G-C. GRCh37 (hg19) VCF-style: chr17-59885974-G-C.
Other names: short protein forms Q258E.
Identifiers: ClinVar variation 432431 (VCV000432431.2), dbSNP rs1555609257, ClinGen allele CA400484941.

ClinVar aggregate classification (germline): Uncertain significance (1 of 4 stars; one submission).

Submission:

GeneDx
Classification: Uncertain significance. Last evaluated: 2017-06-06. Review status: criteria provided, single submitter. Criteria: GeneDx Variant Classification (06012015). Collection method: clinical testing. Allele origin: germline. Affected: yes.
Comment: The Q258E variant in the BRIP1 gene has not, to our knowledge, been published in the literature as pathogenic or benign. This variant was not observed in large population cohorts (NHLBI Exome Sequencing Project, The 1000 Genomes Consortium 2015, Lek et al., 2016). Since Glutamine and Glutamic Acid differ in some properties, this is considered a semi-conservative amino acid substitution. This substitution occurs at a position that is conserved across species and is located in the helicase domain IA (Cantor et al., 2011). In silico analyses predict that this variant is probably damaging to protein structure and function. Based on currently available evidence, we consider Q258E to be a variant of uncertain significance.